The following is an entry in ClinVar:

ClinVar aggregate classification (germline): Uncertain significance (1 of 4 stars; one submission).

Conditions:
Bardet-Biedl syndrome (BBS). Identifiers: Orphanet 110, MedGen C0752166, MONDO:0015229.

Submission:

Labcorp Genetics (formerly Invitae), Labcorp
Classification: Uncertain significance for Bardet-Biedl syndrome. Last evaluated: 2020-06-02. Review status: criteria provided, single submitter. Criteria: Invitae Variant Classification Sherloc (09022015). Collection method: clinical testing. Allele origin: germline.
Comment: In summary, the available evidence is currently insufficient to determine the role of this variant in disease. Therefore, it has been classified as a Variant of Uncertain Significance. This variant has not been reported in the literature in individuals with TTC8-related conditions. This variant results in a copy number gain of the genomic region encompassing exon(s) 2-3 of the TTC8 gene, which includes the initiator codon. The 5' end of this event is unknown as it extends beyond the assayed region for this gene and therefore may encompass additional genes. The 3' boundary is likely confined to intron 3 of the TTC8 gene. As the precise location of this event is unknown, it may be in tandem or it may be located elsewhere in the genome.

NC_000014.8:g.(?_89291052)_(89305916_?)dup

Gene: TTC8 (tetratricopeptide repeat domain 8; plus strand). Cytogenetic location: 14q31.3.
Variant type: Duplication.
Identifiers: ClinVar variation 1025597 (VCV001025597.5).